The following is an entry in ClinVar:

ClinVar aggregate classification (germline): Uncertain significance. Review status: criteria provided, multiple submitters, no conflicts (2 of 4 stars). 5 submissions from 4 submitters: Uncertain significance (4). 1 of the submissions does not count toward it. Last evaluated 2024-04-03.

Conditions:
Retinal dystrophy. Also called: Inherited retinal dystrophy. Identifiers: Orphanet 71862, MedGen C0854723, MeSH D058499, MONDO:0019118, HP:0000556.
Retinitis pigmentosa 39 (RP39). Identifiers: Orphanet 791, MedGen C3151138, MONDO:0013436, OMIM 613809.
Usher syndrome type 2A. Also called: USHER SYNDROME, TYPE IIA; RETINAL DISEASE IN USHER SYNDROME TYPE IIA, MODIFIER OF. Identifiers: Orphanet 231178, Orphanet 886, MedGen C1848634, MONDO:0010169, OMIM 276901.

Submissions (5):

GeneDx
Classification: Uncertain significance. Last evaluated: 2024-04-03. Review status: criteria provided, single submitter. Criteria: GeneDx Variant Classification Process June 2021. Collection method: clinical testing. Allele origin: germline. Affected: yes.
Comment: Not observed at significant frequency in large population cohorts (gnomAD); In silico analysis supports that this missense variant has a deleterious effect on protein structure/function; Has not been previously published as pathogenic or benign to our knowledge

Genome-Nilou Lab
Classification: Uncertain significance for Retinitis pigmentosa 39. Last evaluated: 2023-11-04. Review status: criteria provided, single submitter. Criteria: ACMG Guidelines, 2015. Collection method: clinical testing. Allele origin: germline. Affected: no.

Genome-Nilou Lab
Classification: Uncertain significance for Usher syndrome type 2A. Last evaluated: 2023-11-04. Review status: criteria provided, single submitter. Criteria: ACMG Guidelines, 2015. Collection method: clinical testing. Allele origin: germline. Affected: no.

CeGaT Center for Human Genetics Tuebingen
Classification: Uncertain significance. Last evaluated: 2017-08-01. Review status: criteria provided, single submitter. Criteria: CeGaT Center For Human Genetics Tuebingen Variant Classification Criteria Version 2. Collection method: clinical testing. Allele origin: germline. Affected: yes. Observed: 2 variant alleles.

Institute of Human Genetics, Univ. Regensburg, Univ. Regensburg
Classification: Likely pathogenic for Retinal dystrophy. Last evaluated: 2020-01-01. Review status: no assertion criteria provided. Criteria: ACMG Guidelines, 2015. Collection method: clinical testing. Allele origin: germline. Affected: yes. Not counted in ClinVar's aggregate classification.

NM_206933.4(USH2A):c.1645T>A (p.Cys549Ser)

Gene: USH2A (usherin; minus strand). Cytogenetic location: 1q41.
Variant type: single nucleotide variant.
Coding change: c.1645T>A on transcript NM_206933.4 (MANE Select); coding-DNA position 1645, T replaced by A.
Protein change: p.Cys549Ser; replaces cysteine 549 with serine.
Molecular consequence: missense variant.
Genome position (GRCh38, 1-based): chr1:216,292,370, A>T on the plus strand (T>A on the coding strand, the complement: USH2A is on the minus strand). VCF-style: chr1-216292370-A-T. GRCh37 (hg19) VCF-style: chr1-216465712-A-T.
Other names: c.1645T>A, p.Cys549Ser (NM_007123.6); short protein forms C549S.
Identifiers: ClinVar variation 424940 (VCV000424940.45), dbSNP rs1064797139, ClinGen allele CA16621595.